The following is an entry in ClinVar:

NM_001323532.2(PARP6):c.1174A>G (p.Ile392Val)

Gene: PARP6 (poly(ADP-ribose) polymerase family member 6; minus strand). Cytogenetic location: 15q23.
Variant type: single nucleotide variant.
Coding change: c.1174A>G on transcript NM_001323532.2 (MANE Select); coding-DNA position 1174, A replaced by G.
Protein change: p.Ile392Val; replaces isoleucine 392 with valine.
Molecular consequence: missense variant. On other transcripts: non-coding transcript variant (12).
Genome position (GRCh38, 1-based): chr15:72,254,472, T>C on the plus strand (A>G on the coding strand, the complement: PARP6 is on the minus strand). VCF-style: chr15-72254472-T-C. GRCh37 (hg19) VCF-style: chr15-72546813-T-C.
Other names: c.1114A>G, p.Ile372Val (NM_001323515.2, NM_001323516.2, NM_001323519.2 and 5 more transcripts); c.1174A>G, p.Ile392Val (NM_001323522.2, NM_001323525.2, NM_001323528.2 and 2 more transcripts); short protein forms I372V, I392V.
Identifiers: ClinVar variation 3376635 (VCV003376635.1).
Genomic context (GRCh38, chr15:72,254,472, plus strand): 5'-ACTGGGCAGGCAAAGGAGAGGGGACAGAGAGAAGGCAGAATACCTGGGTCATCTCCCGAA[T>C]AGACATCACACTATCCAGAGCTTTCTGAAGCCGCTCATAATTCTTCTTCTGTGGAGAATC-3'
Protein context (NP_001310461.1, residues 382-402): LQKALDSVMS[Ile392Val]REMTQGSYLE

ClinVar aggregate classification (germline): Uncertain significance (1 of 4 stars; one submission).

Conditions:
Neurodevelopmental disorder. Identifiers: MedGen C1535926, MeSH D065886, MONDO:0700092.

gnomAD v4.1: 5 of 1,613,112 alleles (0.00031%); highest among the groups gnomAD compares: East Asian, 0.0022%; no homozygotes.

Submission:

Victorian Clinical Genetics Services, Murdoch Childrens Research Institute
Classification: Uncertain significance for Neurodevelopmental disorder. Last evaluated: 2022-09-02. Review status: criteria provided, single submitter. Criteria: ACMG Guidelines, 2015. Collection method: clinical testing. Allele origin: germline. Inheritance: Autosomal dominant inheritance. Affected: yes.
Comment: Based on the classification scheme VCGS_Germline_v1.3.4, this variant is classified as VUS-3B. Following criteria are met: 0105 - The mechanism of disease for this gene is not clearly established. However, some functional evidence supports both loss of function and gain of function (PMID: 34067418). (I) 0107 - This gene is associated with autosomal dominant disease (PMID: 34067418). (I) 0200 - Variant is predicted to result in a missense amino acid change from isoleucine to valine. (I) 0251 - This variant is heterozygous. (I) 0302 - Variant is present in gnomAD (v3) <0.001 for a dominant condition (1 heterozygote, 0 homozygotes). (SP) 0502 - Missense variant with conflicting in silico predictions and uninformative conservation. (I) 0604 - Variant is not located in an established domain, motif, hotspot or informative constraint region. (I) 0705 - No comparable missense variants have previous evidence for pathogenicity. (I) 0807 - This variant has no previous evidence of pathogenicity. (I) 0905 - No published segregation evidence has been identified for this variant. (I) 1007 - No published functional evidence has been identified for this variant. (I) 1208 - Inheritance information for this variant is not currently available in this individual. (I) Legend: (SP) - Supporting pathogenic, (I) - Information, (SB) - Supporting benign

Literature cited by the submitters: PubMed 34067418.